The following is an entry in ClinVar:

NM_144687.4(NLRP12):c.2072+4A>G

Gene: NLRP12 (NLR family pyrin domain containing 12; minus strand). Cytogenetic location: 19q13.42.
Variant type: single nucleotide variant.
Coding change: c.2072+4A>G on transcript NM_144687.4 (MANE Select); 4 bases into the intron after coding-DNA position 2072, A replaced by G.
Molecular consequence: intron variant.
Genome position (GRCh38, 1-based): chr19:53,809,583, T>C on the plus strand (A>G on the coding strand, the complement: NLRP12 is on the minus strand). VCF-style: chr19-53809583-T-C. GRCh37 (hg19) VCF-style: chr19-54312837-T-C.
Other names: c.2072+4A>G (NM_001277129.1, NM_001277126.2).
Identifiers: ClinVar variation 1484302 (VCV001484302.6), dbSNP rs887585784, ClinGen allele CA310068431.
Genomic context (GRCh38, chr19:53,809,583, plus strand): 5'-AAAAAAAAAAAAAAAAAAACACACGAACCTAAGCAGCCCCAGGGGATACCCCAGGGATAC[T>C]TACAGCTGCACCAACAGCGTGTGCGCTCCTGCGGAGCACCTCGCGCGGTCTTCCCCGTCC-3'

ClinVar aggregate classification (germline): Uncertain significance (1 of 4 stars; one submission).

Conditions:
Familial cold autoinflammatory syndrome 2 (FCAS2). Identifiers: Orphanet 247868, MedGen C2673198, MONDO:0012724, OMIM 611762.

Allele frequency attached by ClinVar (database versions not stated): TOPMed 0.00001; gnomAD 0.00003.
gnomAD v4.1: 6 of 1,597,274 alleles (0.00038%); highest among the groups gnomAD compares: African/African-American, 0.0082%; no homozygotes.

Submission:

Labcorp Genetics (formerly Invitae), Labcorp
Classification: Uncertain significance for Familial cold autoinflammatory syndrome 2. Last evaluated: 2024-12-09. Review status: criteria provided, single submitter. Criteria: Invitae Variant Classification Sherloc (09022015). Collection method: clinical testing. Allele origin: germline.
Comment: This sequence change falls in intron 3 of the NLRP12 gene. It does not directly change the encoded amino acid sequence of the NLRP12 protein. It affects a nucleotide within the consensus splice site. This variant is not present in population databases (gnomAD no frequency). This variant has not been reported in the literature in individuals affected with NLRP12-related conditions. ClinVar contains an entry for this variant (Variation ID: 1484302). Variants that disrupt the consensus splice site are a relatively common cause of aberrant splicing (PMID: 17576681, 9536098). Algorithms developed to predict the effect of sequence changes on RNA splicing suggest that this variant may disrupt the consensus splice site. In summary, the available evidence is currently insufficient to determine the role of this variant in disease. Therefore, it has been classified as a Variant of Uncertain Significance.

Literature cited by the submitters: PubMed 17576681; PubMed 9536098.